The following is an entry in ClinVar:

NM_005591.4(MRE11):c.1742_1743insAT (p.Gln582fs)

Gene: MRE11 (MRE11 homolog, double strand break repair nuclease; minus strand). Cytogenetic location: 11q21.
Variant type: Insertion.
Coding change: c.1742_1743insAT on transcript NM_005591.4 (MANE Select); coding-DNA positions 1742 to 1743, AT inserted.
Protein change: p.Gln582fs; shifts the reading frame from glutamine 582.
Molecular consequence: frameshift variant.
Genome position: GRCh38 VCF-style: chr11-94447259-C-CAT. GRCh37 (hg19) VCF-style: chr11-94180425-C-CAT.
Other names: c.1742_1743insAT, p.Gln582fs (NM_001330347.2, NM_005590.4); short protein forms Q582fs.
Identifiers: ClinVar variation 3544796 (VCV003544796.2).

ClinVar aggregate classification (germline): Likely pathogenic. Review status: criteria provided, multiple submitters, no conflicts (2 of 4 stars). 2 submissions from 2 submitters: Likely pathogenic (2). Last evaluated 2024-10-31.

Conditions:
Ataxia-telangiectasia-like disorder 1 (ATLD1). Identifiers: Orphanet 251347, MedGen C4012790, MONDO:0024557, OMIM 604391.

Submissions (2):

Quest Diagnostics Nichols Institute San Juan Capistrano
Classification: Likely pathogenic. Last evaluated: 2024-10-31. Review status: criteria provided, single submitter. Criteria: Quest Diagnostics criteria. Collection method: clinical testing. Allele origin: unknown.
Comment: The MRE11 c.1742_1743insAT (p.Gln582Cysfs*41) variant alters the translational reading frame of the MRE11 mRNA and is predicted to cause the premature termination of MRE11 protein synthesis. This variant has not been reported in individuals with MRE11-related conditions in the published literature. This variant has not been reported in large, multi-ethnic general populations (Genome Aggregation Database). Based on the available information, this variant is classified as likely pathogenic.

Fulgent Genetics
Classification: Likely pathogenic for Ataxia-telangiectasia-like disorder 1. Last evaluated: 2024-03-07. Review status: criteria provided, single submitter. Criteria: ACMG Guidelines, 2015. Collection method: clinical testing. Allele origin: germline.